The following is an entry in ClinVar:

NM_144687.4(NLRP12):c.1672C>T (p.Leu558Phe)

Gene: NLRP12 (NLR family pyrin domain containing 12; minus strand). Cytogenetic location: 19q13.42.
Variant type: single nucleotide variant.
Coding change: c.1672C>T on transcript NM_144687.4 (MANE Select); coding-DNA position 1672, C replaced by T.
Protein change: p.Leu558Phe; replaces leucine 558 with phenylalanine.
Molecular consequence: missense variant.
Genome position (GRCh38, 1-based): chr19:53,809,987, G>A on the plus strand (C>T on the coding strand, the complement: NLRP12 is on the minus strand). VCF-style: chr19-53809987-G-A. GRCh37 (hg19) VCF-style: chr19-54313241-G-A.
Other names: c.1672C>T, p.Leu558Phe (NM_001277126.2, NM_001277129.1); c.1672C>T (NM_144687.2); short protein forms L558F.
Identifiers: ClinVar variation 1488803 (VCV001488803.9), dbSNP rs779482271, ClinGen allele CA9639377.
Genomic context (GRCh38, chr19:53,809,987, plus strand): 5'-TCTTCTCCAGGTGGCTCCTGGTCTCCTCGTTCAGGAGTCCAAACAGGAAGCGGCTGGTGA[G>A]TGCCAGGAAGCTCCTTTCAGAAAACGCGTACTCGGTCAACAGCCTGGTCACGTCCTGGTC-3'
Protein context (NP_653288.1, residues 548-568): YAFSERSFLA[Leu558Phe]TSRFLFGLLN

ClinVar aggregate classification (germline): Uncertain significance. Review status: criteria provided, multiple submitters, no conflicts (2 of 4 stars). 2 submissions from 2 submitters: Uncertain significance (2). Last evaluated 2024-08-21.

Conditions:
Inborn genetic diseases. Identifiers: MedGen C0950123, MeSH D030342.
Familial cold autoinflammatory syndrome 2 (FCAS2). Identifiers: Orphanet 247868, MedGen C2673198, MONDO:0012724, OMIM 611762.

Allele frequency attached by ClinVar (database versions not stated): gnomAD exomes below 0.00001 and 0.00001; ExAC 0.00001.
gnomAD v4.1: 6 of 1,614,132 alleles (0.00037%); highest among the groups gnomAD compares: Middle Eastern, 0.016%; no homozygotes.

Submissions (2):

Labcorp Genetics (formerly Invitae), Labcorp
Classification: Uncertain significance for Familial cold autoinflammatory syndrome 2. Last evaluated: 2024-08-21. Review status: criteria provided, single submitter. Criteria: Invitae Variant Classification Sherloc (09022015). Collection method: clinical testing. Allele origin: germline.
Comment: This sequence change replaces leucine, which is neutral and non-polar, with phenylalanine, which is neutral and non-polar, at codon 558 of the NLRP12 protein (p.Leu558Phe). This variant is present in population databases (rs779482271, gnomAD no frequency). This variant has not been reported in the literature in individuals affected with NLRP12-related conditions. ClinVar contains an entry for this variant (Variation ID: 1488803). An algorithm developed to predict the effect of missense changes on protein structure and function (PolyPhen-2) suggests that this variant is likely to be tolerated. In summary, the available evidence is currently insufficient to determine the role of this variant in disease. Therefore, it has been classified as a Variant of Uncertain Significance.

Ambry Genetics
Classification: Uncertain significance for Inborn genetic diseases. Last evaluated: 2024-03-29. Review status: criteria provided, single submitter. Criteria: Ambry Variant Classification Scheme 2023. Collection method: clinical testing. Allele origin: germline.